The following is an entry in ClinVar:

NM_000642.3(AGL):c.2500del (p.Glu834fs)

Gene: AGL (amylo-alpha-1,6-glucosidase and 4-alpha-glucanotransferase; plus strand). Cytogenetic location: 1p21.2.
Variant type: Deletion.
Coding change: c.2500del on transcript NM_000642.3 (MANE Select); coding-DNA position 2500, one base deleted (G; older notation c.2500delG).
Protein change: p.Glu834fs; shifts the reading frame from glutamic acid 834.
Molecular consequence: frameshift variant.
Genome position (GRCh38, 1-based): chr1:99,884,405, G deleted. VCF-style (leftmost placement, unchanged base first): chr1-99884404-AG-A. GRCh37 (hg19) VCF-style: chr1-100349960-AG-A.
Other names: c.2500delG, p.Glu834Lysfs (NM_000028.3, NM_000643.3, NM_000644.3 and 2 more transcripts); c.2296delG, p.Glu766Lysfs (NM_001425329.1, NM_001425328.1); c.2122delG, p.Glu708Lysfs (NM_001425332.1); c.2452delG, p.Glu818Lysfs (NM_000646.3); c.2299delG, p.Glu767Lysfs (NM_001425327.1); short protein forms E818fs, E834fs.
Identifiers: ClinVar variation 2842145 (VCV002842145.3), dbSNP rs2524675179, ClinGen allele CA2739272707.

ClinVar aggregate classification (germline): Pathogenic (1 of 4 stars; one submission).

Conditions:
Glycogen storage disease type III (GSD3). Also called: Cori disease; FORBES DISEASE. Identifiers: Orphanet 366, MedGen C0017922, MONDO:0009291, OMIM 232400.

Submission:

Labcorp Genetics (formerly Invitae), Labcorp
Classification: Pathogenic for Glycogen storage disease type III. Last evaluated: 2025-12-24. Review status: criteria provided, single submitter. Criteria: Invitae Variant Classification Sherloc (09022015). Collection method: clinical testing. Allele origin: germline.
Comment: This sequence change creates a premature translational stop signal (p.Glu834Lysfs*2) in the AGL gene. It is expected to result in an absent or disrupted protein product. Loss-of-function variants in AGL are known to be pathogenic (PMID: 19299494). This variant is not present in population databases (gnomAD no frequency). This variant has not been reported in the literature in individuals affected with AGL-related conditions. ClinVar contains an entry for this variant (Variation ID: 2842145). Algorithms developed to predict the effect of sequence changes on RNA splicing suggest that this variant may disrupt the consensus splice site. For these reasons, this variant has been classified as Pathogenic.

Literature cited by the submitters: PubMed 19299494.